The following is an entry in ClinVar:

NM_052865.4(MGME1):c.242C>G (p.Pro81Arg)

Genes: MGME1 (mitochondrial genome maintenance exonuclease 1; plus strand), LOC126862983 (CDK7 strongly-dependent group 2 enhancer GRCh37_chr20:17950167-17951366; plus strand). Cytogenetic location: 20p11.23.
Variant type: single nucleotide variant.
Coding change: c.242C>G on transcript NM_052865.4 (MANE Select); coding-DNA position 242, C replaced by G.
Protein change: p.Pro81Arg; replaces proline 81 with arginine.
Molecular consequence: missense variant.
Genome position (GRCh38, 1-based): chr20:17,970,101, C>G. VCF-style: chr20-17970101-C-G. GRCh37 (hg19) VCF-style: chr20-17950744-C-G.
Other names: c.242C>G (NM_052865.2); c.242C>G, p.Pro81Arg (NM_001310338.2, NM_001310339.2, NM_001363738.2); short protein forms P81R.
Identifiers: ClinVar variation 711756 (VCV000711756.15), dbSNP rs150656271, ClinGen allele CA9774900.

ClinVar aggregate classification (germline): Conflicting classifications of pathogenicity. Review status: criteria provided, conflicting classifications (1 of 4 stars). 4 submissions from 4 submitters: Uncertain significance (1); Likely benign (3). Last evaluated 2026-01-24.

Conditions:
Mitochondrial DNA depletion syndrome 11 (MTDPS11). Identifiers: Orphanet 352447, MedGen C3554462, MONDO:0014039, OMIM 615084.
MGME1-related disorder. Also called: MGME1-related condition.

Allele frequency attached by ClinVar (database versions not stated): gnomAD exomes 0.00007 and 0.00020; ExAC 0.00020; ESP Exome Variant Server 0.00038; gnomAD 0.00101 and 0.00106; TOPMed 0.00103; 1000 Genomes Project 30x 0.00125; 1000 Genomes Project 0.00140.
gnomAD v4.1: 261 of 1,614,140 alleles (0.016%); highest among the groups gnomAD compares: African/African-American, 0.32%; 1 homozygote.

Submissions (4):

Labcorp Genetics (formerly Invitae), Labcorp
Classification: Likely benign. Last evaluated: 2026-01-24. Review status: criteria provided, single submitter. Criteria: Invitae Variant Classification Sherloc (09022015). Collection method: clinical testing. Allele origin: germline.

GeneDx
Classification: Uncertain significance. Last evaluated: 2025-08-24. Review status: criteria provided, single submitter. Criteria: GeneDx Variant Classification Process June 2021. Collection method: clinical testing. Allele origin: germline. Affected: yes.
Comment: In silico analysis supports that this missense variant has a deleterious effect on protein structure/function; Has not been previously published as pathogenic or benign to our knowledge

PreventionGenetics, part of Exact Sciences
Classification: Likely benign for MGME1-related condition. Last evaluated: 2024-10-31. Review status: criteria provided, single submitter. Criteria: ACMG Guidelines, 2015. Collection method: clinical testing. Allele origin: germline.
Comment: This variant is classified as likely benign based on ACMG/AMP sequence variant interpretation guidelines (Richards et al. 2015 PMID: 25741868, with internal and published modifications).

Fulgent Genetics
Classification: Likely benign for Mitochondrial DNA depletion syndrome 11. Last evaluated: 2021-07-07. Review status: criteria provided, single submitter. Criteria: ACMG Guidelines, 2015. Collection method: clinical testing. Allele origin: unknown.